The following is an entry in ClinVar:

ClinVar aggregate classification (germline): Uncertain significance (1 of 4 stars; one submission).

Submission:

Dasa
Classification: Uncertain significance. Last evaluated: 2025-07-08. Review status: criteria provided, single submitter. Criteria: DASA Assertion Criteria. Collection method: clinical testing. Allele origin: germline.
Comment: NM_001347721.2(DYRK1A):c.1040C>T (p.Thr347Ile) is a missense variant that results in the substitution of threonine with isoleucine. This variant is absent from population databases. The currently available literature and clinical evidence are not sufficient to establish a definitive association between this variant and the reported condition. Therefore, this variant is classified as a variant of uncertain significance.

NM_001347721.2(DYRK1A):c.1040C>T (p.Thr347Ile)

Gene: DYRK1A (dual specificity tyrosine phosphorylation regulated kinase 1A; plus strand). Cytogenetic location: 21q22.13.
Variant type: single nucleotide variant.
Coding change: c.1040C>T on transcript NM_001347721.2 (MANE Select); coding-DNA position 1040, C replaced by T.
Protein change: p.Thr347Ile; replaces threonine 347 with isoleucine.
Molecular consequence: missense variant.
Genome position (GRCh38, 1-based): chr21:37,493,132, C>T. VCF-style: chr21-37493132-C-T. GRCh37 (hg19) VCF-style: chr21-38865434-C-T.
Other names: c.1040C>T, p.Thr347Ile (NM_001347722.2, NM_130436.2); c.953C>T, p.Thr318Ile (NM_001347723.2); c.1067C>T, p.Thr356Ile (NM_001396.5, NM_101395.2, NM_130438.2); short protein forms T318I, T347I, T356I.
Identifiers: ClinVar variation 4883740 (VCV004883740.2).